The following is an entry in ClinVar:

ClinVar aggregate classification (germline): Uncertain significance (1 of 4 stars; one submission).

Conditions:
Leukocyte adhesion deficiency 3. Also called: Leukocyte adhesion deficiency, type III; INTEGRIN ACTIVATION DEFICIENCY DISEASE; LEUKOCYTE ADHESION DEFICIENCY 1 VARIANT. Identifiers: Orphanet 2968, Orphanet 99844, MedGen C2748536, MONDO:0013016, OMIM 612840.

Submission:

Labcorp Genetics (formerly Invitae), Labcorp
Classification: Uncertain significance for Leukocyte adhesion deficiency 3. Last evaluated: 2024-01-29. Review status: criteria provided, single submitter. Criteria: Invitae Variant Classification Sherloc (09022015). Collection method: clinical testing. Allele origin: germline.
Comment: This sequence change replaces leucine, which is neutral and non-polar, with phenylalanine, which is neutral and non-polar, at codon 236 of the FERMT3 protein (p.Leu236Phe). This variant is not present in population databases (gnomAD no frequency). This variant has not been reported in the literature in individuals affected with FERMT3-related conditions. ClinVar contains an entry for this variant (Variation ID: 1017605). Advanced modeling of protein sequence and biophysical properties (such as structural, functional, and spatial information, amino acid conservation, physicochemical variation, residue mobility, and thermodynamic stability) performed at Invitae indicates that this missense variant is expected to disrupt FERMT3 protein function with a positive predictive value of 80%. In summary, the available evidence is currently insufficient to determine the role of this variant in disease. Therefore, it has been classified as a Variant of Uncertain Significance.

NM_031471.6(FERMT3):c.706C>T (p.Leu236Phe)

Gene: FERMT3 (FERM domain containing kindlin 3; plus strand). Cytogenetic location: 11q13.1.
Variant type: single nucleotide variant.
Coding change: c.706C>T on transcript NM_031471.6 (MANE Select); coding-DNA position 706, C replaced by T.
Protein change: p.Leu236Phe; replaces leucine 236 with phenylalanine.
Molecular consequence: missense variant.
Genome position (GRCh38, 1-based): chr11:64,211,667, C>T. VCF-style: chr11-64211667-C-T. GRCh37 (hg19) VCF-style: chr11-63979139-C-T.
Other names: c.706C>T, p.Leu236Phe (NM_001382361.1, NM_001382362.1, NM_001382448.1 and 1 more transcripts); c.166C>T, p.Leu56Phe (NM_001382363.1, NM_001382364.1); short protein forms L236F, L56F.
Identifiers: ClinVar variation 1017605 (VCV001017605.8), dbSNP rs1946443415, ClinGen allele CA381083073.